The following is an entry in ClinVar:

ClinVar aggregate classification (germline): Conflicting classifications of pathogenicity. Review status: criteria provided, conflicting classifications (1 of 4 stars). 3 submissions from 3 submitters: Uncertain significance (1); Likely benign (1). 1 of the submissions does not count toward it. Last evaluated 2025-04-08.

Conditions:
PNPLA2-related disorder. Also called: PNPLA2-related condition.
Neutral lipid storage myopathy (NLSDM). Also called: NEUTRAL LIPID STORAGE DISEASE WITHOUT ICHTHYOSIS. Identifiers: Orphanet 98908, MedGen C1853136, MONDO:0012545, OMIM 610717.

Allele frequency attached by ClinVar (database versions not stated): TOPMed 0.00002; ESP Exome Variant Server 0.00008.
gnomAD v4.1: 60 of 1,613,022 alleles (0.0037%); highest among the groups gnomAD compares: Middle Eastern, 0.016%; no homozygotes.

Submissions (3):

Labcorp Genetics (formerly Invitae), Labcorp
Classification: Likely benign for Neutral lipid storage myopathy. Last evaluated: 2025-04-08. Review status: criteria provided, single submitter. Criteria: Invitae Variant Classification Sherloc (09022015). Collection method: clinical testing. Allele origin: germline.

Illumina Laboratory Services, Illumina
Classification: Uncertain significance for Neutral lipid storage myopathy. Last evaluated: 2018-01-13. Review status: criteria provided, single submitter. Criteria: ICSL Variant Classification Criteria 13 December 2019. Collection method: clinical testing. Allele origin: germline.

PreventionGenetics, part of Exact Sciences
Classification: Likely benign for PNPLA2-related condition. Last evaluated: 2020-08-04. Review status: no assertion criteria provided. Collection method: clinical testing. Allele origin: germline. Not counted in ClinVar's aggregate classification.
Comment: This variant is classified as likely benign based on ACMG/AMP sequence variant interpretation guidelines (Richards et al. 2015 PMID: 25741868, with internal and published modifications).

NM_020376.4(PNPLA2):c.487-7G>A

Gene: PNPLA2 (patatin like domain 2, triacylglycerol lipase; plus strand). Cytogenetic location: 11p15.5.
Variant type: single nucleotide variant.
Coding change: c.487-7G>A on transcript NM_020376.4 (MANE Select); 7 bases into the intron before coding-DNA position 487, G replaced by A.
Molecular consequence: intron variant.
Genome position (GRCh38, 1-based): chr11:822,390, G>A. VCF-style: chr11-822390-G-A. GRCh37 (hg19) VCF-style: chr11-822390-G-A.
Identifiers: ClinVar variation 881775 (VCV000881775.15), dbSNP rs372342635, ClinGen allele CA5791030.
Genomic context (GRCh38, chr11:822,390, plus strand): 5'-GCTGGGGTGGGTGGCCAGTGCAGCCACAGGCCCTCACATACGGTCCTGTCTGTGTGTCCC[G>A]TGGAAGCGCTACGTGGATGGTGGCATTTCAGACAACCTGCCACTCTATGAGCTTAAGAAC-3'